The following is an entry in ClinVar:

ClinVar aggregate classification (germline): Uncertain significance. Review status: criteria provided, multiple submitters, no conflicts (2 of 4 stars). 2 submissions from 2 submitters: Uncertain significance (2). Last evaluated 2024-08-28.

Conditions:
Autosomal recessive limb-girdle muscular dystrophy type 2J (LGMDR10). Also called: Limb-girdle muscular dystrophy, type 2J; MUSCULAR DYSTROPHY, LIMB-GIRDLE, AUTOSOMAL RECESSIVE 10. Identifiers: Orphanet 140922, MedGen C1837342, MONDO:0012127, OMIM 608807.
Dilated cardiomyopathy 1G (CMD1G). Identifiers: Orphanet 154, MedGen C1858763, MONDO:0011400, OMIM 604145.
Cardiovascular phenotype. Identifiers: MedGen CN230736.

Allele frequency attached by ClinVar (database versions not stated): TOPMed below 0.00001; gnomAD 0.00001.
gnomAD v4.1: 2 of 1,613,704 alleles (0.00012%); highest among the groups gnomAD compares: African/African-American, 0.0027%; no homozygotes.

Submissions (2):

Labcorp Genetics (formerly Invitae), Labcorp
Classification: Uncertain significance for Dilated cardiomyopathy 1G; Autosomal recessive limb-girdle muscular dystrophy type 2J. Last evaluated: 2024-08-28. Review status: criteria provided, single submitter. Criteria: Invitae Variant Classification Sherloc (09022015). Collection method: clinical testing. Allele origin: germline.
Comment: This sequence change replaces glycine, which is neutral and non-polar, with aspartic acid, which is acidic and polar, at codon 33828 of the TTN protein (p.Gly33828Asp). This variant is not present in population databases (gnomAD no frequency). This variant has not been reported in the literature in individuals affected with TTN-related conditions. ClinVar contains an entry for this variant (Variation ID: 1758862). Experimental studies and prediction algorithms are not available or were not evaluated, and the functional significance of this variant is currently unknown. This variant is located in the M band of TTN (PMID: 25589632). Non-truncating variants in this region may be relevant for neuromuscular disorders, but have not been definitively shown to cause cardiomyopathy (PMID: 23975875). In summary, the available evidence is currently insufficient to determine the role of this variant in disease. Therefore, it has been classified as a Variant of Uncertain Significance.

Ambry Genetics
Classification: Uncertain significance for Cardiovascular phenotype. Last evaluated: 2019-10-15. Review status: criteria provided, single submitter. Criteria: Ambry Variant Classification Scheme 2023. Collection method: clinical testing. Allele origin: germline.
Comment: The p.G24763D variant (also known as c.74288G>A), located in coding exon 185 of the TTN gene, results from a G to A substitution at nucleotide position 74288. The glycine at codon 24763 is replaced by aspartic acid, an amino acid with similar properties. This amino acid position is highly conserved in available vertebrate species. In addition, this alteration is predicted to be deleterious by in silico analysis. Since supporting evidence is limited at this time, the clinical significance of this alteration remains unclear.

Literature cited by the submitters: PubMed 25589632 (cited by Labcorp Genetics (formerly Invitae), Labcorp); PubMed 23975875 (cited by Labcorp Genetics (formerly Invitae), Labcorp).

NM_001267550.2(TTN):c.101483G>A (p.Gly33828Asp)

Genes: TTN (titin; minus strand), TTN-AS1 (TTN antisense RNA 1; plus strand). Cytogenetic location: 2q31.2.
Variant type: single nucleotide variant.
Coding change: c.101483G>A on transcript NM_001267550.2 (MANE Select); coding-DNA position 101483, G replaced by A.
Protein change: p.Gly33828Asp; replaces glycine 33828 with aspartic acid.
Molecular consequence: missense variant.
Genome position (GRCh38, 1-based): chr2:178,535,132, C>T on the plus strand (G>A on the coding strand, the complement: TTN is on the minus strand). VCF-style: chr2-178535132-C-T. GRCh37 (hg19) VCF-style: chr2-179399859-C-T.
Other names: c.96560G>A, p.Gly32187Asp (NM_001256850.1); c.74288G>A, p.Gly24763Asp (NM_003319.4); c.93779G>A, p.Gly31260Asp (NM_133378.4); c.74663G>A, p.Gly24888Asp (NM_133432.3); c.74864G>A, p.Gly24955Asp (NM_133437.4); short protein forms G24955D, G32187D, G33828D, G24763D, G24888D, G31260D.
Identifiers: ClinVar variation 1758862 (VCV001758862.4), dbSNP rs1690860089, ClinGen allele CA349420612.
Genomic context (GRCh38, chr2:178,535,132, plus strand): 5'-TTGGCCATGTATGTCTTCTTTGAGGATGTTTCAACACAACGATGGACAATTCCAAACTCA[C>T]CACGCCCAAGATCTTCAGCAATCATATATTTCTCATAGAGTTCCTTGGTTGAAGAGTGAG-3'
Protein context (NP_001254479.2, residues 33818-33838): KYMIAEDLGR[Gly33828Asp]EFGIVHRCVE